The following is an entry in ClinVar:

NM_001363.5(DKC1):c.253G>A (p.Asp85Asn)

Gene: DKC1 (dyskerin pseudouridine synthase 1; plus strand). Cytogenetic location: Xq28.
Variant type: single nucleotide variant.
Coding change: c.253G>A on transcript NM_001363.5 (MANE Select); coding-DNA position 253, G replaced by A.
Protein change: p.Asp85Asn; replaces aspartic acid 85 with asparagine.
Molecular consequence: missense variant. On other transcripts: non-coding transcript variant (3).
Genome position (GRCh38, 1-based): chrX:154,765,988, G>A. VCF-style: chrX-154765988-G-A. GRCh37 (hg19) VCF-style: chrX-153994263-G-A.
Other names: c.253G>A, p.Asp85Asn (NM_001142463.3, NM_001288747.2); short protein forms D85N.
Identifiers: ClinVar variation 1434341 (VCV001434341.7), dbSNP rs2148509772, ClinGen allele CA414889485.

ClinVar aggregate classification (germline): Conflicting classifications of pathogenicity. Review status: criteria provided, conflicting classifications (1 of 4 stars). 2 submissions from 2 submitters: Uncertain significance (1); Likely benign (1). Last evaluated 2024-09-20.

Conditions:
Dyskeratosis congenita. Identifiers: Orphanet 1775, MedGen C0265965, MONDO:0015780.
Dyskeratosis congenita, X-linked (DKCX). Also called: Zinsser-Cole-Engman Syndrome. Identifiers: MedGen C1148551, MONDO:0010584, OMIM 305000.
Cataracts, hearing impairment, nephrotic syndrome, and enterocolitis 1 (CHINE1). Identifiers: MedGen C5829571, MONDO:0958178, OMIM 301108.

Submissions (2):

3billion
Classification: Likely benign for Dyskeratosis congenita, X-linked; Cataracts, hearing impairment, nephrotic syndrome, and enterocolitis 1. Last evaluated: 2024-09-20. Review status: criteria provided, single submitter. Criteria: ACMG Guidelines, 2015. Collection method: clinical testing. Allele origin: germline. Affected: no.
Comment: The hemizygous variant was found in patients diagnosed with another variant in a different gene, with no symptoms related to the gene containing the hemizygous variant.

Labcorp Genetics (formerly Invitae), Labcorp
Classification: Uncertain significance for Dyskeratosis congenita. Last evaluated: 2022-04-21. Review status: criteria provided, single submitter. Criteria: Invitae Variant Classification Sherloc (09022015). Collection method: clinical testing. Allele origin: germline.
Comment: In summary, the available evidence is currently insufficient to determine the role of this variant in disease. Therefore, it has been classified as a Variant of Uncertain Significance. Algorithms developed to predict the effect of missense changes on protein structure and function (SIFT, PolyPhen-2, Align-GVGD) all suggest that this variant is likely to be tolerated. This variant has not been reported in the literature in individuals affected with DKC1-related conditions. This variant is not present in population databases (gnomAD no frequency). This sequence change replaces aspartic acid, which is acidic and polar, with asparagine, which is neutral and polar, at codon 85 of the DKC1 protein (p.Asp85Asn).